The following is an entry in ClinVar:

NM_000878.5(IL2RB):c.656CCTGGAGCC[1] (p.Pro222_Ser224del)

Gene: IL2RB (interleukin 2 receptor subunit beta; minus strand). Cytogenetic location: 22q12.3.
Variant type: Microsatellite.
Coding change: c.656CCTGGAGCC[1] on transcript NM_000878.5 (MANE Select); one copy of the 9-base unit CCTGGAGCC starting at c.656; the reference has two copies in a row; one copy, 9 bases deleted.
Protein change: p.Pro222_Ser224del.
Molecular consequence: inframe deletion.
Genome position (GRCh38, 1-based): chr22:37,136,258-37,136,266, GGCTCCAGG deleted on the plus strand (CCTGGAGCC on the coding strand, the reverse complement: IL2RB is on the minus strand); deleting any 9 consecutive bases within chr22:37,136,258-37,136,275 gives the same sequence; the position shown is the placement nearest the transcript's 3' end. VCF-style (leftmost placement, unchanged base first): chr22-37136257-TGGCTCCAGG-T. GRCh37 (hg19) VCF-style: chr22-37532297-TGGCTCCAGG-T.
Other names: c.656CCTGGAGCC[1], p.Pro222_Ser224del (NM_001346222.1, NM_001346223.2).
Identifiers: ClinVar variation 635832 (VCV000635832.3), dbSNP rs1601598133, ClinGen allele CA915952771.

ClinVar aggregate classification (germline): Uncertain significance. Review status: criteria provided, single submitter (1 of 4 stars). 2 submissions from 2 submitters: Uncertain significance (1). 1 of the submissions does not count toward it. Last evaluated 2019-03-26.

Conditions:
Immunodeficiency 63 with lymphoproliferation and autoimmunity. Also called: INTERLEUKIN 2 RECEPTOR, BETA, DEFICIENCY OF; IL2RB DEFICIENCY; CD122 DEFICIENCY. Identifiers: MedGen C5193126, MONDO:0032782, OMIM 618495.

Submissions (2):

GeneDx
Classification: Uncertain significance. Last evaluated: 2019-03-26. Review status: criteria provided, single submitter. Criteria: GeneDx Variant Classification Process June 2021. Collection method: clinical testing. Allele origin: germline. Affected: yes.
Comment: In-frame deletion of 3 amino acids in a non-repeat region; Not observed in large population cohorts (Lek et al., 2016); In silico analysis, which includes protein predictors and evolutionary conservation, supports a deleterious effect; Variants in candidate genes are classified as variants of uncertain significance in accordance with ACMG guidelines (Richards et al., 2015); This variant is associated with the following publications: (PMID: 31040184)

OMIM
Classification: Pathogenic for IMMUNODEFICIENCY 63 WITH LYMPHOPROLIFERATION AND AUTOIMMUNITY. Last evaluated: 2019-07-15. Review status: no assertion criteria provided. Collection method: literature only. Allele origin: germline. Not counted in ClinVar's aggregate classification.

Literature cited by the submitters: PubMed 31040184 (cited by OMIM).